The following is an entry in ClinVar:

NM_006715.4(MAN2C1):c.768del (p.His258fs)

Gene: MAN2C1 (mannosidase alpha class 2C member 1; minus strand). Cytogenetic location: 15q24.2.
Variant type: Deletion.
Coding change: c.768del on transcript NM_006715.4 (MANE Select); coding-DNA position 768, one base deleted (A; older notation c.768delA).
Protein change: p.His258fs; shifts the reading frame from histidine 258.
Molecular consequence: frameshift variant. On other transcripts: intron variant (1).
Genome position (GRCh38, 1-based): chr15:75,364,021, T deleted on the plus strand (A on the coding strand, the reverse complement: MAN2C1 is on the minus strand). VCF-style (leftmost placement, unchanged base first): chr15-75364020-CT-C. GRCh37 (hg19) VCF-style: chr15-75656361-CT-C.
Other names: c.768del, p.His258fs (NM_001256494.2, NM_001256495.2); c.600+467del (NM_001256496.2); c.768delA (NM_006715.4); short protein forms H258fs.
Identifiers: ClinVar variation 2682254 (VCV002682254.1), dbSNP rs2542953150, ClinGen allele CA2697549244.

ClinVar aggregate classification (germline): Uncertain significance (1 of 4 stars; one submission).

Submission:

Women's Health and Genetics/Laboratory Corporation of America, LabCorp
Classification: Uncertain significance. Last evaluated: 2023-11-22. Review status: criteria provided, single submitter. Criteria: LabCorp Variant Classification Summary - May 2015. Collection method: clinical testing. Allele origin: germline.
Comment: Variant summary: MAN2C1 c.768delA (p.His258ThrfsX16) results in a premature termination codon, predicted to cause absence of the protein due to nonsense mediated decay, however current evidence is not sufficient to establish loss-of-function variants in MAN2C1 as causative of disease. The variant was absent in 251310 control chromosomes (gnomAD). The available data on variant occurrences in the general population are insufficient to allow any conclusion about variant significance. To our knowledge, no occurrence of c.768delA in individuals affected with Congenital Disorder Of Deglycosylation 2 and no experimental evidence demonstrating its impact on protein function have been reported. No submitters have cited clinical-significance assessments for this variant to ClinVar after 2014. Based on the evidence outlined above, the variant was classified as uncertain significance.